The following is an entry in ClinVar:

ClinVar aggregate classification (germline): Pathogenic (1 of 4 stars; one submission).

Conditions:
Nemaline myopathy 2 (NEM2). Also called: Nemaline myopathy 2, autosomal recessive. Identifiers: MedGen C1850569, MONDO:0009725, OMIM 256030.

Submission:

Myriad Genetics, Inc.
Classification: Pathogenic for Nemaline myopathy 2. Last evaluated: 2025-12-06. Review status: criteria provided, single submitter. Criteria: Myriad Autosomal Dominant, Autosomal Recessive and X-Linked Classification Criteria (2023). Collection method: clinical testing. Allele origin: unknown.
Comment: NM_001271208.1(NEB):c.3576C>A(Y1192*) is expected to be pathogenic in the context of NEB-related nemaline myopathy. This variant is predicted to lead to an abnormal or absent protein product due to the creation of a premature termination codon in NEB, a gene where loss-of-function variants are known to be pathogenic. Please note: this variant was assessed in the context of healthy population screening.

NM_001164508.2(NEB):c.3576C>A (p.Tyr1192Ter)

Gene: NEB (nebulin; minus strand). Cytogenetic location: 2q23.3.
Variant type: single nucleotide variant.
Coding change: c.3576C>A on transcript NM_001164508.2 (MANE Select); coding-DNA position 3576, C replaced by A.
Protein change: p.Tyr1192Ter; replaces tyrosine 1192 with a stop codon.
Molecular consequence: nonsense.
Genome position (GRCh38, 1-based): chr2:151,677,763, G>T on the plus strand (C>A on the coding strand, the complement: NEB is on the minus strand). VCF-style: chr2-151677763-G-T. GRCh37 (hg19) VCF-style: chr2-152534277-G-T.
Other names: c.3576C>A, p.Tyr1192Ter (NM_001164507.2, NM_001271208.2, NM_004543.5); short protein forms Y1192*.
Identifiers: ClinVar variation 5015295 (VCV005015295.1).